The following is an entry in ClinVar:

ClinVar aggregate classification (germline): Uncertain significance (1 of 4 stars; one submission).

Submission:

Labcorp Genetics (formerly Invitae), Labcorp
Classification: Uncertain significance. Last evaluated: 2022-07-19. Review status: criteria provided, single submitter. Criteria: Invitae Variant Classification Sherloc (09022015). Collection method: clinical testing. Allele origin: germline.
Comment: This sequence change replaces histidine, which is basic and polar, with arginine, which is basic and polar, at codon 487 of the IMPG2 protein (p.His487Arg). This variant is not present in population databases (gnomAD no frequency). This variant has not been reported in the literature in individuals affected with IMPG2-related conditions. ClinVar contains an entry for this variant (Variation ID: 1352907). Algorithms developed to predict the effect of missense changes on protein structure and function (SIFT, PolyPhen-2, Align-GVGD) all suggest that this variant is likely to be tolerated. In summary, the available evidence is currently insufficient to determine the role of this variant in disease. Therefore, it has been classified as a Variant of Uncertain Significance.

NM_016247.4(IMPG2):c.1460A>G (p.His487Arg)

Gene: IMPG2 (interphotoreceptor matrix proteoglycan 2; minus strand). Cytogenetic location: 3q12.3.
Variant type: single nucleotide variant.
Coding change: c.1460A>G on transcript NM_016247.4 (MANE Select); coding-DNA position 1460, A replaced by G.
Protein change: p.His487Arg; replaces histidine 487 with arginine.
Molecular consequence: missense variant.
Genome position (GRCh38, 1-based): chr3:101,245,885, T>C on the plus strand (A>G on the coding strand, the complement: IMPG2 is on the minus strand). VCF-style: chr3-101245885-T-C. GRCh37 (hg19) VCF-style: chr3-100964729-T-C.
Other names: short protein forms H487R.
Identifiers: ClinVar variation 1352907 (VCV001352907.8), dbSNP rs2107222109, ClinGen allele CA353862338.